The following is an entry in ClinVar:

NM_004667.6(HERC2):c.14180C>T (p.Thr4727Met)

Gene: HERC2 (HECT and RLD domain containing E3 ubiquitin protein ligase 2; minus strand). Cytogenetic location: 15q13.1.
Variant type: single nucleotide variant.
Coding change: c.14180C>T on transcript NM_004667.6 (MANE Select); coding-DNA position 14180, C replaced by T.
Protein change: p.Thr4727Met; replaces threonine 4727 with methionine.
Molecular consequence: missense variant.
Genome position (GRCh38, 1-based): chr15:28,113,123, G>A on the plus strand (C>T on the coding strand, the complement: HERC2 is on the minus strand). VCF-style: chr15-28113123-G-A. GRCh37 (hg19) VCF-style: chr15-28358269-G-A.
Other names: short protein forms T4727M.
Identifiers: ClinVar variation 5017032 (VCV005017032.1).

ClinVar aggregate classification (germline): Uncertain significance (1 of 4 stars; one submission).

gnomAD v4.1: 3 of 1,613,918 alleles (0.00019%); highest among the groups gnomAD compares: South Asian, 0.0022%; no homozygotes.

Submission:

GeneDx
Classification: Uncertain significance. Last evaluated: 2026-03-25. Review status: criteria provided, single submitter. Criteria: GeneDx Variant Classification Process June 2021. Collection method: clinical testing. Allele origin: germline.
Comment: In silico analysis supports that this missense variant has a deleterious effect on protein structure/function; Has not been previously published as pathogenic or benign to our knowledge